The following is an entry in ClinVar:

NM_000789.4(ACE):c.3090G>T (p.Lys1030Asn)

Gene: ACE (angiotensin I converting enzyme; plus strand). Cytogenetic location: 17q23.3.
Variant type: single nucleotide variant.
Coding change: c.3090G>T on transcript NM_000789.4 (MANE Select); coding-DNA position 3090, G replaced by T.
Protein change: p.Lys1030Asn; replaces lysine 1030 with asparagine.
Molecular consequence: missense variant. On other transcripts: non-coding transcript variant (1).
Genome position (GRCh38, 1-based): chr17:63,493,613, G>T. VCF-style: chr17-63493613-G-T. GRCh37 (hg19) VCF-style: chr17-61570974-G-T.
Other names: c.1368G>T, p.Lys456Asn (NM_001178057.2, NM_152830.3); c.2523G>T, p.Lys841Asn (NM_001382700.1); c.2238G>T, p.Lys746Asn (NM_001382701.1); c.828G>T, p.Lys276Asn (NM_001382702.1); short protein forms K841N, K1030N, K276N, K456N, K746N.
Identifiers: ClinVar variation 1481108 (VCV001481108.4), dbSNP rs374679629, ClinGen allele CA8700358.
Genomic context (GRCh38, chr17:63,493,613, plus strand): 5'-CAACCCCGGCTTCCATGAGGCCATTGGGGACGTGCTAGCCCTCTCAGTGTCTACGCCCAA[G>T]CACCTGCACAGTCTCAACCTGCTGAGCAGTGAGGGTGGCAGCGACGGTGAGAGAGAAGCG-3'
Protein context (NP_000780.1, residues 1020-1040): DVLALSVSTP[Lys1030Asn]HLHSLNLLSS

ClinVar aggregate classification (germline): Uncertain significance. Review status: criteria provided, multiple submitters, no conflicts (2 of 4 stars). 2 submissions from 2 submitters: Uncertain significance (2). Last evaluated 2022-03-02.

Conditions:
Renal tubular dysgenesis of genetic origin. Also called: PRIMITIVE RENAL TUBULE SYNDROME. Identifiers: Orphanet 97369, MedGen C5681536, MONDO:0009970, OMIM 267430.
Microvascular complications of diabetes, susceptibility to, 3. Identifiers: MedGen C2675470, MONDO:0012963, OMIM 612624.
Hemorrhage, intracerebral, susceptibility to (ICH). Also called: Stroke, hemorrhagic, susceptibility to. Identifiers: MedGen C3281105, MONDO:0100533, OMIM 614519.

Allele frequency attached by ClinVar (database versions not stated): ExAC 0.00001; gnomAD 0.00001; gnomAD exomes 0.00001; TOPMed 0.00002; ESP Exome Variant Server 0.00008.
gnomAD v4.1: 26 of 1,613,978 alleles (0.0016%); highest among the groups gnomAD compares: Non-Finnish European, 0.0022%; no homozygotes.

Submissions (2):

Fulgent Genetics
Classification: Uncertain significance for Renal tubular dysgenesis of genetic origin; Microvascular complications of diabetes, susceptibility to, 3; Hemorrhage, intracerebral, susceptibility to. Last evaluated: 2022-03-02. Review status: criteria provided, single submitter. Criteria: ACMG Guidelines, 2015. Collection method: clinical testing. Allele origin: unknown.

Labcorp Genetics (formerly Invitae), Labcorp
Classification: Uncertain significance. Last evaluated: 2021-10-22. Review status: criteria provided, single submitter. Criteria: Invitae Variant Classification Sherloc (09022015). Collection method: clinical testing. Allele origin: germline.
Comment: This sequence change replaces lysine with asparagine at codon 1030 of the ACE protein (p.Lys1030Asn). The lysine residue is moderately conserved and there is a moderate physicochemical difference between lysine and asparagine. This variant is present in population databases (rs374679629, ExAC 0.002%). This variant has not been reported in the literature in individuals affected with ACE-related conditions. Algorithms developed to predict the effect of missense changes on protein structure and function are either unavailable or do not agree on the potential impact of this missense change (SIFT: "Deleterious"; PolyPhen-2: "Benign"; Align-GVGD: "Class C0"). In summary, the available evidence is currently insufficient to determine the role of this variant in disease. Therefore, it has been classified as a Variant of Uncertain Significance.